The following is an entry in ClinVar:

NM_004364.5(CEBPA):c.906G>A (p.Lys302=)

Gene: CEBPA (CCAAT enhancer binding protein alpha; minus strand). Cytogenetic location: 19q13.11.
Variant type: single nucleotide variant.
Coding change: c.906G>A on transcript NM_004364.5 (MANE Select); coding-DNA position 906, G replaced by A.
Protein change: p.Lys302=; no amino-acid change (lysine 302 retained).
Molecular consequence: synonymous variant.
Genome position (GRCh38, 1-based): chr19:33,301,509, C>T on the plus strand (G>A on the coding strand, the complement: CEBPA is on the minus strand). VCF-style: chr19-33301509-C-T. GRCh37 (hg19) VCF-style: chr19-33792415-C-T.
Other names: c.549G>A, p.Lys183= (NM_001285829.2); c.1011G>A, p.Lys337= (NM_001287424.2); c.864G>A, p.Lys288= (NM_001287435.2).
Identifiers: ClinVar variation 2016739 (VCV002016739.5), dbSNP rs1296444163, ClinGen allele CA507007030.

ClinVar aggregate classification (germline): Conflicting classifications of pathogenicity. Review status: criteria provided, conflicting classifications (1 of 4 stars). 2 submissions from 2 submitters: Uncertain significance (1); Likely benign (1). Last evaluated 2025-05-01.

Conditions:
Inborn genetic diseases. Identifiers: MedGen C0950123, MeSH D030342.
Acute myeloid leukemia (AML). Also called: Acute myeloid leukemia, adult; AML adult; Acute non-lymphocytic leukemia; Acute granulocytic leukemia; Leukemia, acute myeloid, somatic; Leukemia, acute myelogenous, somatic. Identifiers: Orphanet 519, MedGen C0023467, MeSH D015470, MONDO:0018874, OMIM 601626, HP:0004808. Disease mechanism: Constitutively activated FLT3.

Submissions (2):

Ambry Genetics
Classification: Likely benign for Inborn genetic diseases. Last evaluated: 2025-05-01. Review status: criteria provided, single submitter. Criteria: Ambry Variant Classification Scheme 2023. Collection method: clinical testing. Allele origin: germline.

Labcorp Genetics (formerly Invitae), Labcorp
Classification: Uncertain significance for Acute myeloid leukemia. Last evaluated: 2022-07-13. Review status: criteria provided, single submitter. Criteria: Invitae Variant Classification Sherloc (09022015). Collection method: clinical testing. Allele origin: germline.
Comment: In summary, the available evidence is currently insufficient to determine the role of this variant in disease. Therefore, it has been classified as a Variant of Uncertain Significance. This variant has not been reported in the literature in individuals affected with CEBPA-related conditions. This variant is not present in population databases (gnomAD no frequency). This sequence change affects codon 302 of the CEBPA mRNA. It is a 'silent' change, meaning that it does not change the encoded amino acid sequence of the CEBPA protein.